The following is an entry in ClinVar:

NM_000532.5(PCCB):c.517_518del (p.Leu173fs)

Gene: PCCB (propionyl-CoA carboxylase subunit beta; plus strand). Cytogenetic location: 3q22.3.
Variant type: Deletion.
Coding change: c.517_518del on transcript NM_000532.5 (MANE Select); coding-DNA positions 517 to 518, 2 bases deleted (TT; older notation c.517_518delTT).
Protein change: p.Leu173fs; shifts the reading frame from leucine 173.
Molecular consequence: frameshift variant.
Genome position (GRCh38, 1-based): chr3:136,262,039-136,262,040, TT deleted; deleting any 2 consecutive bases within chr3:136,262,038-136,262,040 gives the same sequence; the c. name uses the placement nearest the transcript's 3' end. VCF-style (leftmost placement, unchanged base first): chr3-136262037-CTT-C. GRCh37 (hg19) VCF-style: chr3-135980879-CTT-C.
Other names: c.517_518del (NM_000532.4); c.577_578del, p.Leu193fs (NM_001178014.2); short protein forms L173fs, L193fs.
Identifiers: ClinVar variation 552452 (VCV000552452.19), dbSNP rs755776820, ClinGen allele CA2631760.

ClinVar aggregate classification (germline): Pathogenic. Review status: criteria provided, multiple submitters, no conflicts (2 of 4 stars). 6 submissions from 6 submitters: Pathogenic (5). 1 of the submissions does not count toward it. Last evaluated 2026-01-08.

Conditions:
Propionic acidemia (PROP). Also called: GLYCINEMIA, KETOTIC; HYPERGLYCINEMIA WITH KETOACIDOSIS AND LEUKOPENIA; KETOTIC HYPERGLYCINEMIA. Identifiers: Orphanet 35, MedGen C0268579, MONDO:0011628, OMIM 606054, HP:0003571.

Submissions (6):

Natera, Inc.
Classification: Pathogenic for Propionic acidemia. Last evaluated: 2026-01-08. Review status: criteria provided, single submitter. Criteria: Natera Variant Classification Schema (03/2026). Collection method: clinical testing. Allele origin: germline.
Comment: The c.517_518delTT variant in PCCB is a frameshift variant predicted to shift the reading frame beginning at codon 173 and leads to a stop codon 56 codons downstream. This variant is expected to result in nonsense mediated decay, truncation, or a dysfunctional protein product. This variant is rare in the general population with a frequency below the threshold expected for the associated phenotype(s). This variant has been observed in one or more individuals affected with the associated recessive disease, as either homozygous or compound heterozygous with a second variant (PMID: 23430860). Given the available evidence, this variant is classified as Pathogenic.

Labcorp Genetics (formerly Invitae), Labcorp
Classification: Pathogenic for Propionic acidemia. Last evaluated: 2024-04-01. Review status: criteria provided, single submitter. Criteria: Invitae Variant Classification Sherloc (09022015). Collection method: clinical testing. Allele origin: germline.
Comment: This sequence change creates a premature translational stop signal (p.Leu173Glyfs*56) in the PCCB gene. It is expected to result in an absent or disrupted protein product. Loss-of-function variants in PCCB are known to be pathogenic (PMID: 15464417). This variant is present in population databases (rs755776820, gnomAD 0.01%). This premature translational stop signal has been observed in individual(s) with propionic acidemia (PMID: 23430860). ClinVar contains an entry for this variant (Variation ID: 552452). For these reasons, this variant has been classified as Pathogenic.

Baylor Genetics
Classification: Pathogenic for Propionic acidemia. Last evaluated: 2024-03-03. Review status: criteria provided, single submitter. Criteria: ACMG Guidelines, 2015. Collection method: clinical testing. Allele origin: unknown.

GeneDx
Classification: Pathogenic. Last evaluated: 2019-08-16. Review status: criteria provided, single submitter. Criteria: GeneDx Variant Classification Process June 2021. Collection method: clinical testing. Allele origin: germline. Affected: yes.
Comment: Frameshift variant predicted to result in protein truncation or nonsense mediated decay in a gene for which loss-of-function is a known mechanism of disease; Not observed in large population cohorts (Lek et al., 2016); This variant is associated with the following publications: (PMID: 23430860)

Mendelics
Classification: Pathogenic for Propionic acidemia. Last evaluated: 2019-05-28. Review status: criteria provided, single submitter. Criteria: Mendelics Assertion Criteria 2017. Collection method: clinical testing. Allele origin: unknown.

Counsyl
Classification: Likely pathogenic for Propionic acidemia. Last evaluated: 2017-06-09. Review status: no assertion criteria provided. Collection method: clinical testing. Allele origin: unknown. Not counted in ClinVar's aggregate classification.

Literature cited by the submitters: PubMed 23430860 (cited by 3 submitters); PubMed 15464417 (cited by Labcorp Genetics (formerly Invitae), Labcorp).